The following is an entry in ClinVar:

ClinVar aggregate classification (germline): Uncertain significance (1 of 4 stars; one submission).

Allele frequency attached by ClinVar (database versions not stated): 1000 Genomes Project 0.00020; gnomAD exomes 0.00011 and 0.00007; ExAC 0.00012; 1000 Genomes Project 30x 0.00016; gnomAD 0.00007 and 0.00006; TOPMed 0.00005.

Submission:

Labcorp Genetics (formerly Invitae), Labcorp
Classification: Uncertain significance. Last evaluated: 2023-11-29. Review status: criteria provided, single submitter. Criteria: Invitae Variant Classification Sherloc (09022015). Collection method: clinical testing. Allele origin: germline.
Comment: This sequence change replaces leucine, which is neutral and non-polar, with proline, which is neutral and non-polar, at codon 57 of the LRRC10 protein (p.Leu57Pro). This variant is present in population databases (rs200318358, gnomAD 0.04%), and has an allele count higher than expected for a pathogenic variant. This variant has not been reported in the literature in individuals affected with LRRC10-related conditions. ClinVar contains an entry for this variant (Variation ID: 647246). An algorithm developed to predict the effect of missense changes on protein structure and function (PolyPhen-2) suggests that this variant is likely to be disruptive. In summary, the available evidence is currently insufficient to determine the role of this variant in disease. Therefore, it has been classified as a Variant of Uncertain Significance.

NM_201550.4(LRRC10):c.170T>C (p.Leu57Pro)

Gene: LRRC10 (leucine rich repeat containing 10; minus strand). Cytogenetic location: 12q15.
Variant type: single nucleotide variant.
Coding change: c.170T>C on transcript NM_201550.4 (MANE Select); coding-DNA position 170, T replaced by C.
Protein change: p.Leu57Pro; replaces leucine 57 with proline.
Molecular consequence: missense variant.
Genome position (GRCh38, 1-based): chr12:69,610,669, A>G on the plus strand (T>C on the coding strand, the complement: LRRC10 is on the minus strand). VCF-style: chr12-69610669-A-G. GRCh37 (hg19) VCF-style: chr12-70004449-A-G.
Other names: short protein forms L57P.
Identifiers: ClinVar variation 647246 (VCV000647246.9), dbSNP rs200318358, ClinGen allele CA6681119.